The following is an entry in ClinVar:

ClinVar aggregate classification (germline): Uncertain significance. Review status: criteria provided, multiple submitters, no conflicts (2 of 4 stars). 2 submissions from 2 submitters: Uncertain significance (2). Last evaluated 2023-06-08.

Conditions:
Familial thoracic aortic aneurysm and aortic dissection (TAAD). Also called: Thoracic aortic aneurysms and dissections. Identifiers: Orphanet 91387, MedGen C4707243, MONDO:0019625.
Loeys-Dietz syndrome 2 (LDS2). Also called: Marfan syndrome, type 2 (formerly); TGFBR2-Related Loeys-Dietz Syndrome; Marfan Syndrome type 2; Marfan like connective tissue disorder; MFS 2; MARFAN SYNDROME, TYPE II. Identifiers: Orphanet 284973, Orphanet 558, MedGen C2674574, MONDO:0012427, OMIM 610168.

Allele frequency attached by ClinVar (database versions not stated): gnomAD exomes below 0.00001; ExAC 0.00001.
gnomAD v4.1: 2 of 1,613,894 alleles (0.00012%); highest among the groups gnomAD compares: South Asian, 0.0022%; no homozygotes.

Submissions (2):

All of Us Research Program, National Institutes of Health
Classification: Uncertain significance for Loeys-Dietz syndrome 2. Last evaluated: 2023-06-08. Review status: criteria provided, single submitter. Criteria: ACMG Guidelines, 2015. Collection method: clinical testing. Allele origin: germline. Inheritance: Autosomal dominant inheritance. Observed: 1 variant allele, 1 heterozygote.
Comment: This missense variant replaces threonine with alanine at codon 566 of the TGFBR2 protein. Computational prediction suggests that this variant may not impact protein structure and function (internally defined REVEL score threshold <= 0.5, PMID: 27666373). To our knowledge, functional studies have not been reported for this variant. This variant has not been reported in individuals affected with TGFBR2-related disorders in the literature. This variant has been identified in 1/251172 chromosomes in the general population by the Genome Aggregation Database (gnomAD). The available evidence is insufficient to determine the role of this variant in disease conclusively. Therefore, this variant is classified as a Variant of Uncertain Significance.

This study involves interpretation of variants in research participants for the purpose of population health screening. Participant phenotype was not available at the time of variant classification. Additional details can be found in publication PMID: 35346344, PMCID: PMC8962531

Labcorp Genetics (formerly Invitae), Labcorp
Classification: Uncertain significance for Familial thoracic aortic aneurysm and aortic dissection. Last evaluated: 2023-04-29. Review status: criteria provided, single submitter. Criteria: Invitae Variant Classification Sherloc (09022015). Collection method: clinical testing. Allele origin: germline.
Comment: Advanced modeling of protein sequence and biophysical properties (such as structural, functional, and spatial information, amino acid conservation, physicochemical variation, residue mobility, and thermodynamic stability) has been performed at Invitae for this missense variant, however the output from this modeling did not meet the statistical confidence thresholds required to predict the impact of this variant on TGFBR2 protein function. This variant has not been reported in the literature in individuals affected with TGFBR2-related conditions. This variant is present in population databases (rs761275220, gnomAD 0.003%). This sequence change replaces threonine, which is neutral and polar, with alanine, which is neutral and non-polar, at codon 566 of the TGFBR2 protein (p.Thr566Ala). In summary, the available evidence is currently insufficient to determine the role of this variant in disease. Therefore, it has been classified as a Variant of Uncertain Significance.

NM_003242.6(TGFBR2):c.1696A>G (p.Thr566Ala)

Gene: TGFBR2 (transforming growth factor beta receptor 2; plus strand). Cytogenetic location: 3p24.1.
Variant type: single nucleotide variant.
Coding change: c.1696A>G on transcript NM_003242.6 (MANE Select); coding-DNA position 1696, A replaced by G.
Protein change: p.Thr566Ala; replaces threonine 566 with alanine.
Molecular consequence: missense variant.
Genome position (GRCh38, 1-based): chr3:30,691,591, A>G. VCF-style: chr3-30691591-A-G. GRCh37 (hg19) VCF-style: chr3-30733083-A-G.
Other names: c.1771A>G, p.Thr591Ala (NM_001024847.3); c.1879A>G, p.Thr627Ala (NM_001407126.1); c.1336A>G, p.Thr446Ala (NM_001407138.1); c.826A>G, p.Thr276Ala (NM_001407139.1); c.1804A>G, p.Thr602Ala (NM_001407127.1); c.1723A>G, p.Thr575Ala (NM_001407128.1); c.1699A>G, p.Thr567Ala (NM_001407129.1); c.1693A>G, p.Thr565Ala (NM_001407130.1); and 2 more; short protein forms T567A, T446A, T531A, T565A, T566A, T591A, T627A, T471A.
Identifiers: ClinVar variation 2819978 (VCV002819978.4), dbSNP rs761275220, ClinGen allele CA047361.